The following is an entry in ClinVar:

NM_032043.3(BRIP1):c.1474-3T>C

Gene: BRIP1 (BRCA1 interacting DNA helicase 1; minus strand). Cytogenetic location: 17q23.2.
Variant type: single nucleotide variant.
Coding change: c.1474-3T>C on transcript NM_032043.3 (MANE Select); 3 bases into the intron before coding-DNA position 1474, T replaced by C.
Molecular consequence: intron variant.
Genome position (GRCh38, 1-based): chr17:61,784,427, A>G on the plus strand (T>C on the coding strand, the complement: BRIP1 is on the minus strand). VCF-style: chr17-61784427-A-G. GRCh37 (hg19) VCF-style: chr17-59861788-A-G.
Identifiers: ClinVar variation 185538 (VCV000185538.35), dbSNP rs552752779, ClinGen allele CA192215.

ClinVar aggregate classification (germline): Conflicting classifications of pathogenicity. Review status: criteria provided, conflicting classifications (1 of 4 stars). 15 submissions from 15 submitters: Uncertain significance (2); Benign (4); Likely benign (6). 3 of the submissions do not count toward it. Last evaluated 2026-01-27.

Conditions:
BRIP1-related disorder. Also called: BRIP1-related disorders; BRIP1-related condition. Identifiers: MedGen CN239206.
Fanconi anemia complementation group J. Also called: BRIP1-Related Fanconi Anemia. Identifiers: Orphanet 84, MedGen C1836860, MONDO:0012187, OMIM 609054.
Ovarian cancer. Also called: OVARIAN CANCER, SOMATIC. Identifiers: Orphanet 213500, MedGen C1140680, MONDO:0008170, OMIM 167000.
Hereditary cancer-predisposing syndrome. Also called: Tumor predisposition; Neoplastic Syndromes, Hereditary; Hereditary neoplastic syndrome; Hereditary Cancer Syndrome. Identifiers: Orphanet 140162, MedGen C0027672, MeSH D009386, MONDO:0015356.
Familial cancer of breast. Also called: hereditary breast carcinoma; BREAST CANCER, FAMILIAL; Hereditary breast cancer. Identifiers: Orphanet 227535, MedGen C0346153, MONDO:0016419, OMIM 114480. Disease mechanism: loss of function.

Allele frequency attached by ClinVar (database versions not stated): TOPMed below 0.00001; gnomAD 0.00001 and 0.00009; gnomAD exomes 0.00012; 1000 Genomes Project 0.00020; 1000 Genomes Project 30x 0.00031.
gnomAD v4.1: 191 of 1,611,312 alleles (0.012%); highest among the groups gnomAD compares: South Asian, 0.2%; no homozygotes.

Submissions (15):

Labcorp Genetics (formerly Invitae), Labcorp
Classification: Likely benign for Familial cancer of breast; Fanconi anemia complementation group J. Last evaluated: 2026-01-27. Review status: criteria provided, single submitter. Criteria: Invitae Variant Classification Sherloc (09022015). Collection method: clinical testing. Allele origin: germline.

Center for Genomic Medicine, Rigshospitalet, Copenhagen University Hospital
Classification: Likely benign. Last evaluated: 2025-03-04. Review status: criteria provided, single submitter. Criteria: ACMG Guidelines, 2015. Collection method: clinical testing. Allele origin: germline.

Blueprint Genetics
Classification: Likely benign. Last evaluated: 2024-11-19. Review status: criteria provided, single submitter. Criteria: ACMG Guidelines, 2015. Collection method: clinical testing. Allele origin: germline.

Myriad Genetics, Inc.
Classification: Likely benign for Familial cancer of breast. Last evaluated: 2023-02-28. Review status: criteria provided, single submitter. Criteria: Myriad Autosomal Dominant, Autosomal Recessive and X-Linked Classification Criteria (2023). Collection method: clinical testing. Allele origin: unknown.
Comment: This variant is considered likely benign. This variant is intronic and is not expected to impact mRNA splicing.

Sema4
Classification: Likely benign for Hereditary cancer-predisposing syndrome. Last evaluated: 2021-04-13. Review status: criteria provided, single submitter. Criteria: Sema4 Curation Guidelines. Collection method: curation. Allele origin: germline.

Quest Diagnostics Nichols Institute San Juan Capistrano
Classification: Benign. Last evaluated: 2021-04-07. Review status: criteria provided, single submitter. Criteria: Quest Diagnostics criteria. Collection method: clinical testing. Allele origin: unknown.

Ambry Genetics
Classification: Likely benign for Hereditary cancer-predisposing syndrome. Last evaluated: 2020-08-31. Review status: criteria provided, single submitter. Criteria: Ambry Variant Classification Scheme 2023. Collection method: clinical testing. Allele origin: germline.

Illumina Laboratory Services, Illumina
Classification: Uncertain significance for Fanconi anemia complementation group J. Last evaluated: 2018-01-12. Review status: criteria provided, single submitter. Criteria: ICSL Variant Classification Criteria 13 December 2019. Collection method: clinical testing. Allele origin: germline.

Women's Health and Genetics/Laboratory Corporation of America, LabCorp
Classification: Benign. Last evaluated: 2017-05-08. Review status: criteria provided, single submitter. Criteria: LabCorp Variant Classification Summary - May 2015. Collection method: clinical testing. Allele origin: germline.
Comment: Variant summary: The BRIP1 c.1474-3T>C variant involves the alteration of a non-conserved intronic nucleotide. One in silico tool predicts a damaging outcome for this variant. 5/5 splice prediction tools predict no significant impact on normal splicing, though ESE finder predicts the variant may introduce an SF2/ASF ESE site at the locus. However, these predictions have yet to be confirmed by functional studies. This variant was found in the large control database ExAC in 33 of 120864 control chromosomes from all ethnicities, but was predominantly observed in the South Asian subpopulation at a frequency of 0.001879 (31/16496). This frequency is about 30 times the estimated maximal expected allele frequency of a pathogenic BRIP1 variant (0.0000625), strongly suggesting this is likely a benign polymorphism found primarily in the populations of South Asian origin. Multiple clinical diagnostic laboratories have conflicting classifications for this variant including uncertain significance (4x in ClinVar) and benign (1x in ClinVar). The variant of interest has not, to our knowledge, been reported in affected individuals via publications, nor has it been evaluated for functional impact by in vivo/vitro studies. Taken together, this variant is classified as benign.

Genetic Services Laboratory, University of Chicago
Classification: Uncertain significance. Last evaluated: 2016-12-27. Review status: criteria provided, single submitter. Criteria: ACMG Guidelines, 2015. Collection method: clinical testing. Allele origin: germline. Affected: no.

Color Diagnostics, LLC DBA Color Health
Classification: Benign for Hereditary cancer-predisposing syndrome. Last evaluated: 2016-11-17. Review status: criteria provided, single submitter. Criteria: ACMG Guidelines, 2015. Collection method: clinical testing. Allele origin: germline.

GeneDx
Classification: Benign. Last evaluated: 2015-09-21. Review status: criteria provided, single submitter. Criteria: GeneDx Variant Classification (06012015). Collection method: clinical testing. Allele origin: germline. Affected: yes.
Comment: This variant is considered likely benign or benign based on one or more of the following criteria: it is a conservative change, it occurs at a poorly conserved position in the protein, it is predicted to be benign by multiple in silico algorithms, and/or has population frequency not consistent with disease.

PreventionGenetics, part of Exact Sciences
Classification: Likely benign for BRIP1-related condition. Last evaluated: 2023-09-29. Review status: no assertion criteria provided. Collection method: clinical testing. Allele origin: germline. Not counted in ClinVar's aggregate classification.
Comment: This variant is classified as likely benign based on ACMG/AMP sequence variant interpretation guidelines (Richards et al. 2015 PMID: 25741868, with internal and published modifications).

Counsyl
Classification: Uncertain significance for Fanconi anemia complementation group J; Ovarian cancer. Last evaluated: 2017-03-14. Review status: no assertion criteria provided. Collection method: clinical testing. Allele origin: unknown. Not counted in ClinVar's aggregate classification.

Department of Pathology and Laboratory Medicine, Sinai Health System
Classification: Uncertain significance for Fanconi anemia complementation group J. Review status: no assertion criteria provided. Collection method: clinical testing. Allele origin: unknown. Affected: yes. Observed: 2 variant alleles. Study: The Canadian Open Genetics Repository (COGR). Not counted in ClinVar's aggregate classification.
Comment: The BRIP1 c.1474-3T>C variant was not identified in the literature nor was it identified in the Cosmic or Zhejiang University Database. The variant was identified in dbSNP (ID: rs552752779) â€šÃ„ÃºWith Uncertain significance alleleâ€šÃ„Ã¹, ClinVar (with conflicting interpretations of pathogenicity; submitters: benign by GeneDx and uncertain significance by Ambry Genetics, Invitae, Illumina Clinical Services Laboratory and Genetic Services Laboratory-University of Chicago), Clinvitae (4x), and in control databases in 51 (1 homozygous) of 246022 chromosomes at a frequency of 0.0002 (Genome Aggregation Consortium Feb 27, 2017). The variant was identified in the following populations: European Non-Finnish in 1 of 111556 chromosomes (frequency: 0.000009) and South Asian in 50 (1 homozygous) of 30762 chromosomes (frequency: 0.002). The c.1474-3T>C variant is located in the 3' splice region but does not affect the invariant -1 and -2 positions; however, position -3 is part of the splicing consensus sequence and variants involving these positions sometimes affect splicing. 1 of 5 in silico or computational prediction software programs (SpliceSiteFinder, MaxEntScan, NNSPLICE, GeneSplicer, HumanSpliceFinder) predict a greater than 10% difference in splicing; this is not very predictive of pathogenicity. In summary, based on the above information the clinical significance of this variant cannot be determined with certainty at this time. This variant is classified as uncertain significance.

Literature cited by the submitters: PubMed 25186627 (cited by Quest Diagnostics Nichols Institute San Juan Capistrano and Counsyl).